The following is an entry in ClinVar:

NM_033380.3(COL4A5):c.4087+1G>A

Gene: COL4A5 (collagen type IV alpha 5 chain; plus strand). Cytogenetic location: Xq22.3.
Variant type: single nucleotide variant.
Coding change: c.4087+1G>A on transcript NM_033380.3 (MANE Select); the canonical splice donor site of the intron after coding-DNA position 4087, G replaced by A.
Molecular consequence: splice donor variant.
Genome position (GRCh38, 1-based): chrX:108,680,957, G>A. VCF-style: chrX-108680957-G-A. GRCh37 (hg19) VCF-style: chrX-107924187-G-A.
Other names: c.4069+1G>A (NM_000495.5).
Identifiers: ClinVar variation 24702 (VCV000024702.10), dbSNP rs587776401, ClinGen allele CA258984.
Genomic context (GRCh38, chrX:108,680,957, plus strand): 5'-CCAGTGGAGTACCTGGATCAGCTGGCCCTGAGGGGGAACCGGGACTTATTGGTCCTCCAG[G>A]TAAGACTTATTCCTGAAGATAGTTATACCTGATACTTAGATGCTTTAAAGAATTTGAAAG-3'

ClinVar aggregate classification (germline): Pathogenic. Review status: criteria provided, multiple submitters, no conflicts (2 of 4 stars). 3 submissions from 3 submitters: Pathogenic (3). Last evaluated 2022-11-15.

Conditions:
COL4A5-related disorders.

Submissions (3):

Labcorp Genetics (formerly Invitae), Labcorp
Classification: Pathogenic. Last evaluated: 2022-11-15. Review status: criteria provided, single submitter. Criteria: Invitae Variant Classification Sherloc (09022015). Collection method: clinical testing. Allele origin: germline.
Comment: For these reasons, this variant has been classified as Pathogenic. Algorithms developed to predict the effect of sequence changes on RNA splicing suggest that this variant may disrupt the consensus splice site. ClinVar contains an entry for this variant (Variation ID: 24702). This variant is also known as c.4087+1G>A or 4271+1G>A. Disruption of this splice site has been observed in individuals with Alport syndrome (PMID: 10094548, 31980082). This variant is not present in population databases (gnomAD no frequency). This sequence change affects a donor splice site in intron 44 of the COL4A5 gene. It is expected to disrupt RNA splicing. Variants that disrupt the donor or acceptor splice site typically lead to a loss of protein function (PMID: 16199547), and loss-of-function variants in COL4A5 are known to be pathogenic (PMID: 9195222, 10752524, 14514738, 24854265, 26809805).

Blueprint Genetics
Classification: Pathogenic for COL4A5-related disorders. Last evaluated: 2019-11-12. Review status: criteria provided, single submitter. Criteria: ACMG Guidelines, 2015. Collection method: clinical testing. Allele origin: germline. Affected: yes. Observed: 1 variant allele.

Athena Diagnostics
Classification: Pathogenic. Last evaluated: 2018-11-02. Review status: criteria provided, single submitter. Criteria: Athena Diagnostics Criteria. Collection method: clinical testing. Allele origin: germline.
Comment: The variant disrupts a canonical splice site, and is therefore predicted to significantly disrupt the protein structure. Found in at least one symptomatic patient, and not found in general population data.

Literature cited by the submitters: PubMed 10094548 (cited by Labcorp Genetics (formerly Invitae), Labcorp and Athena Diagnostics); PubMed 31980082 (cited by Labcorp Genetics (formerly Invitae), Labcorp); PubMed 16199547 (cited by Labcorp Genetics (formerly Invitae), Labcorp); PubMed 9195222 (cited by Labcorp Genetics (formerly Invitae), Labcorp); PubMed 10752524 (cited by Labcorp Genetics (formerly Invitae), Labcorp); PubMed 14514738 (cited by Labcorp Genetics (formerly Invitae), Labcorp); PubMed 24854265 (cited by Labcorp Genetics (formerly Invitae), Labcorp); PubMed 26809805 (cited by Labcorp Genetics (formerly Invitae), Labcorp); PubMed 25525159 (cited by Athena Diagnostics).